The following is an entry in ClinVar:

ClinVar aggregate classification (germline): Uncertain significance (1 of 4 stars; one submission).

Conditions:
Inborn genetic diseases. Identifiers: MedGen C0950123, MeSH D030342.

Submission:

Ambry Genetics
Classification: Uncertain significance for Inborn genetic diseases. Last evaluated: 2025-05-02. Review status: criteria provided, single submitter. Criteria: Ambry Variant Classification Scheme 2023. Collection method: clinical testing. Allele origin: germline.
Comment: The p.R560G variant (also known as c.1678A>G), located in coding exon 13 of the FANCG gene, results from an A to G substitution at nucleotide position 1678. The arginine at codon 560 is replaced by glycine, an amino acid with dissimilar properties. This amino acid position is conserved. In addition, this alteration is predicted to be tolerated by in silico analysis. Based on the available evidence, the clinical significance of this variant remains unclear.

NM_004629.2(FANCG):c.1678A>G (p.Arg560Gly)

Gene: FANCG (FA complementation group G; minus strand). Cytogenetic location: 9p13.3.
Variant type: single nucleotide variant.
Coding change: c.1678A>G on transcript NM_004629.2 (MANE Select); coding-DNA position 1678, A replaced by G.
Protein change: p.Arg560Gly; replaces arginine 560 with glycine.
Molecular consequence: missense variant.
Genome position (GRCh38, 1-based): chr9:35,074,453, T>C on the plus strand (A>G on the coding strand, the complement: FANCG is on the minus strand). VCF-style: chr9-35074453-T-C. GRCh37 (hg19) VCF-style: chr9-35074450-T-C.
Other names: short protein forms R560G.
Identifiers: ClinVar variation 4022506 (VCV004022506.1).